The following is an entry in ClinVar:

NM_003803.4(MYOM1):c.4820T>C (p.Leu1607Ser)

Gene: MYOM1 (myomesin 1; minus strand). Cytogenetic location: 18p11.31.
Variant type: single nucleotide variant.
Coding change: c.4820T>C on transcript NM_003803.4 (MANE Select); coding-DNA position 4820, T replaced by C.
Protein change: p.Leu1607Ser; replaces leucine 1607 with serine.
Molecular consequence: missense variant.
Genome position (GRCh38, 1-based): chr18:3,067,500, A>G on the plus strand (T>C on the coding strand, the complement: MYOM1 is on the minus strand). VCF-style: chr18-3067500-A-G. GRCh37 (hg19) VCF-style: chr18-3067498-A-G.
Other names: c.4532T>C, p.Leu1511Ser (NM_019856.2); short protein forms L1511S, L1607S.
Identifiers: ClinVar variation 3002883 (VCV003002883.3), dbSNP rs2510433218, ClinGen allele CA401705456.

ClinVar aggregate classification (germline): Uncertain significance (1 of 4 stars; one submission).

Conditions:
Hypertrophic cardiomyopathy. Also called: HYPERTROPHIC MYOCARDIOPATHY. Identifiers: Orphanet 217569, MedGen C0007194, MeSH D002312, MONDO:0005045, HP:0001639.

Submission:

Labcorp Genetics (formerly Invitae), Labcorp
Classification: Uncertain significance for Hypertrophic cardiomyopathy. Last evaluated: 2026-02-01. Review status: criteria provided, single submitter. Criteria: Invitae Variant Classification Sherloc (09022015). Collection method: clinical testing. Allele origin: germline.
Comment: This sequence change replaces leucine, which is neutral and non-polar, with serine, which is neutral and polar, at codon 1607 of the MYOM1 protein (p.Leu1607Ser). This variant is not present in population databases (gnomAD no frequency). This variant has not been reported in the literature in individuals affected with MYOM1-related conditions. ClinVar contains an entry for this variant (Variation ID: 3002883). Invitae Evidence Modeling of protein sequence and biophysical properties (such as structural, functional, and spatial information, amino acid conservation, physicochemical variation, residue mobility, and thermodynamic stability) indicates that this missense variant is not expected to disrupt MYOM1 protein function with a negative predictive value of 80%. In summary, the available evidence is currently insufficient to determine the role of this variant in disease. Therefore, it has been classified as a Variant of Uncertain Significance.